The following is an entry in ClinVar:

ClinVar aggregate classification (germline): Uncertain significance (1 of 4 stars; one submission).

gnomAD v4.1: 1 of 1,611,250 alleles (0.000062%); highest among the groups gnomAD compares: Non-Finnish European, 0.000085%; no homozygotes.

Submission:

Labcorp Genetics (formerly Invitae), Labcorp
Classification: Uncertain significance. Last evaluated: 2025-05-17. Review status: criteria provided, single submitter. Criteria: Invitae Variant Classification Sherloc (09022015). Collection method: clinical testing. Allele origin: germline.
Comment: This sequence change replaces glycine, which is neutral and non-polar, with arginine, which is basic and polar, at codon 64 of the HTRA2 protein (p.Gly64Arg). This variant is not present in population databases (gnomAD no frequency). This variant has not been reported in the literature in individuals affected with HTRA2-related conditions. An algorithm developed to predict the effect of missense changes on protein structure and function outputs the following: PolyPhen-2: "Probably Damaging". The arginine amino acid residue is found in multiple mammalian species, which suggests that this missense change does not adversely affect protein function. In summary, the available evidence is currently insufficient to determine the role of this variant in disease. Therefore, it has been classified as a Variant of Uncertain Significance.

NM_013247.5(HTRA2):c.190G>C (p.Gly64Arg)

Gene: HTRA2 (HtrA serine peptidase 2; plus strand). Cytogenetic location: 2p13.1.
Variant type: single nucleotide variant.
Coding change: c.190G>C on transcript NM_013247.5 (MANE Select); coding-DNA position 190, G replaced by C.
Protein change: p.Gly64Arg; replaces glycine 64 with arginine.
Molecular consequence: missense variant. On other transcripts: non-coding transcript variant (1).
Genome position (GRCh38, 1-based): chr2:74,530,196, G>C. VCF-style: chr2-74530196-G-C. GRCh37 (hg19) VCF-style: chr2-74757323-G-C.
Other names: c.190G>C, p.Gly64Arg (NM_001321727.1, NM_001321728.1, NM_145074.2); short protein forms G64R.
Identifiers: ClinVar variation 4765358 (VCV004765358.1).